The following is an entry in ClinVar:

NM_001101426.4(CRPPA):c.79_80del (p.Thr27fs)

Genes: CRPPA (CDP-L-ribitol pyrophosphorylase A; minus strand), LOC129998005 (ATAC-STARR-seq lymphoblastoid silent region 17982; plus strand). Cytogenetic location: 7p21.2.
Variant type: Microsatellite.
Coding change: c.79_80del on transcript NM_001101426.4 (MANE Select); coding-DNA positions 79 to 80, 2 bases deleted (AC; older notation c.79_80delAC).
Protein change: p.Thr27fs; shifts the reading frame from threonine 27.
Molecular consequence: frameshift variant. On other transcripts: non-coding transcript variant (1).
Genome position (GRCh38, 1-based): chr7:16,421,243-16,421,244, GT deleted on the plus strand (AC on the coding strand, the reverse complement: CRPPA is on the minus strand); deleting any 2 consecutive bases within chr7:16,421,243-16,421,247 gives the same sequence; the c. name uses the placement nearest the transcript's 3' end. VCF-style (leftmost placement, unchanged base first): chr7-16421242-CGT-C. GRCh37 (hg19) VCF-style: chr7-16460867-CGT-C.
Other names: c.79_80del, p.Thr27fs (NM_001101417.4, NM_001368197.1); short protein forms T27fs.
Identifiers: ClinVar variation 1983342 (VCV001983342.4), dbSNP rs2546759145, ClinGen allele CA2580615852.

ClinVar aggregate classification (germline): Pathogenic (1 of 4 stars; one submission).

Conditions:
Autosomal recessive limb-girdle muscular dystrophy type 2U. Also called: MUSCULAR DYSTROPHY, LIMB-GIRDLE, TYPE 2U; Muscular dystrophy-dystroglycanopathy (limb-girdle), type c, 7. Identifiers: Orphanet 352479, MedGen C5190987, MONDO:0014474, OMIM 616052.
Muscular dystrophy-dystroglycanopathy (congenital with brain and eye anomalies), type A, 7. Also called: WALKER-WARBURG SYNDROME OR MUSCLE-EYE-BRAIN DISEASE, ISPD-RELATED; Congenital muscular dystrophy-dystroglycanopathy with brain and eye anomalies, type A7. Identifiers: Orphanet 899, MedGen C3553330, MONDO:0013835, OMIM 614643.

Submission:

Labcorp Genetics (formerly Invitae), Labcorp
Classification: Pathogenic for Muscular dystrophy-dystroglycanopathy (congenital with brain and eye anomalies), type A, 7; Autosomal recessive limb-girdle muscular dystrophy type 2U. Last evaluated: 2022-05-01. Review status: criteria provided, single submitter. Criteria: Invitae Variant Classification Sherloc (09022015). Collection method: clinical testing. Allele origin: germline.
Comment: This sequence change creates a premature translational stop signal (p.Thr27Glyfs*88) in the ISPD gene. It is expected to result in an absent or disrupted protein product. Loss-of-function variants in ISPD are known to be pathogenic (PMID: 23288328). This variant is not present in population databases (gnomAD no frequency). This variant has not been reported in the literature in individuals affected with ISPD-related conditions. For these reasons, this variant has been classified as Pathogenic.

Literature cited by the submitters: PubMed 23288328.